The following is an entry in ClinVar:

ClinVar aggregate classification (germline): Likely benign (1 of 4 stars; one submission).

Submission:

CeGaT Center for Human Genetics Tuebingen
Classification: Likely benign. Last evaluated: 2026-07-01. Review status: criteria provided, single submitter. Criteria: CeGaT Center For Human Genetics Tuebingen Variant Classification Criteria Version 2. Collection method: clinical testing. Allele origin: germline. Affected: yes. Observed: 1 variant allele.
Comment: PTPRD: PM2:Supporting, BP4, BP7

NM_002839.4(PTPRD):c.1131C>A (p.Arg377=)

Gene: PTPRD (protein tyrosine phosphatase receptor type D; minus strand). Cytogenetic location: 9p24.1.
Variant type: single nucleotide variant.
Coding change: c.1131C>A on transcript NM_002839.4 (MANE Select); coding-DNA position 1131, C replaced by A.
Protein change: p.Arg377=; no amino-acid change (arginine 377 retained).
Molecular consequence: synonymous variant.
Genome position (GRCh38, 1-based): chr9:8,518,260, G>T on the plus strand (C>A on the coding strand, the complement: PTPRD is on the minus strand). VCF-style: chr9-8518260-G-T. GRCh37 (hg19) VCF-style: chr9-8518260-G-T.
Other names: c.1122C>A, p.Arg374= (NM_001040712.2, NM_001377947.1); c.1101C>A, p.Arg367= (NM_001171025.2); c.1113C>A, p.Arg371= (NM_001377946.1, NM_130393.3); c.1131C>A, p.Arg377= (NM_001377958.1, NM_001378058.1, NM_130391.4 and 1 more transcripts).
Identifiers: ClinVar variation 5040391 (VCV005040391.1).
Genomic context (GRCh38, chr9:8,518,260, plus strand): 5'-ATTGACAGCAACAACCCTGAATTCATAATCCGAGTAGGGACTTAGTCCAGCGACACTGTA[G>T]CGTGTGGTCGCCACCCCATCAATTTCTTTGTAAAGTTCCTCAGAGTTTTTAGGTTTATGC-3'
Protein context (NP_002830.1, residues 367-387): YKEIDGVATT[Arg377=]YSVAGLSPYS